The following is an entry in ClinVar:

NM_144997.7(FLCN):c.94G>A (p.Gly32Arg)

Gene: FLCN (folliculin; minus strand). Cytogenetic location: 17p11.2.
Variant type: single nucleotide variant.
Coding change: c.94G>A on transcript NM_144997.7 (MANE Select); coding-DNA position 94, G replaced by A.
Protein change: p.Gly32Arg; replaces glycine 32 with arginine.
Molecular consequence: missense variant.
Genome position (GRCh38, 1-based): chr17:17,228,044, C>T on the plus strand (G>A on the coding strand, the complement: FLCN is on the minus strand). VCF-style: chr17-17228044-C-T. GRCh37 (hg19) VCF-style: chr17-17131358-C-T.
Other names: c.94G>A, p.Gly32Arg (NM_001353229.2, NM_001353230.2, NM_001353231.2 and 1 more transcripts); short protein forms G32R.
Identifiers: ClinVar variation 4740546 (VCV004740546.1).

ClinVar aggregate classification (germline): Uncertain significance (1 of 4 stars; one submission).

Conditions:
Birt-Hogg-Dube syndrome. Also called: Birt Hogg Dubé syndrome. Identifiers: Orphanet 122, MedGen C0346010, MONDO:0800444.

Submission:

Labcorp Genetics (formerly Invitae), Labcorp
Classification: Uncertain significance for Birt-Hogg-Dube syndrome. Last evaluated: 2025-07-13. Review status: criteria provided, single submitter. Criteria: Invitae Variant Classification Sherloc (09022015). Collection method: clinical testing. Allele origin: germline.
Comment: This sequence change replaces glycine, which is neutral and non-polar, with arginine, which is basic and polar, at codon 32 of the FLCN protein (p.Gly32Arg). This variant is not present in population databases (gnomAD no frequency). This variant has not been reported in the literature in individuals affected with FLCN-related conditions. Invitae Evidence Modeling of protein sequence and biophysical properties (such as structural, functional, and spatial information, amino acid conservation, physicochemical variation, residue mobility, and thermodynamic stability) indicates that this missense variant is not expected to disrupt FLCN protein function with a negative predictive value of 80%. In summary, the available evidence is currently insufficient to determine the role of this variant in disease. Therefore, it has been classified as a Variant of Uncertain Significance.